The following is an entry in ClinVar:

ClinVar aggregate classification (germline): Benign/Likely benign. Review status: criteria provided, multiple submitters, no conflicts (2 of 4 stars). 4 submissions from 4 submitters: Benign (1); Likely benign (3). Last evaluated 2025-06-01.

Conditions:
Cleft lip/palate. Also called: Cleft lip and palate. Identifiers: Orphanet 199306, MedGen C0158646, MONDO:0016044.
Mowat-Wilson syndrome (MOWS). Also called: Classic Mowat-Wilson Syndrome. Identifiers: Orphanet 2152, MedGen C1856113, MONDO:0009341, OMIM 235730.

Allele frequency attached by ClinVar (database versions not stated): ESP Exome Variant Server 0.00008; ExAC 0.00001; gnomAD exomes 0.00002; gnomAD 0.00003; TOPMed 0.00004.
gnomAD v4.1: 104 of 1,613,926 alleles (0.0064%); highest among the groups gnomAD compares: Non-Finnish European, 0.0079%; no homozygotes.

Submissions (4):

CeGaT Center for Human Genetics Tuebingen
Classification: Likely benign. Last evaluated: 2025-06-01. Review status: criteria provided, single submitter. Criteria: CeGaT Center For Human Genetics Tuebingen Variant Classification Criteria Version 2. Collection method: clinical testing. Allele origin: germline. Affected: yes. Observed: 2 variant alleles.
Comment: ZEB2: BP4, BS2

ARUP Laboratories, Molecular Genetics and Genomics, ARUP Laboratories
Classification: Likely benign for Mowat-Wilson syndrome. Last evaluated: 2024-10-14. Review status: criteria provided, single submitter. Criteria: ARUP Molecular Germline Variant Investigation Process 2024. Collection method: clinical testing. Allele origin: germline.

Labcorp Genetics (formerly Invitae), Labcorp
Classification: Likely benign for Mowat-Wilson syndrome. Last evaluated: 2023-10-16. Review status: criteria provided, single submitter. Criteria: Invitae Variant Classification Sherloc (09022015). Collection method: clinical testing. Allele origin: germline.

Cambridge Genomics Laboratory, East Genomic Laboratory Hub, NHS Genomic Medicine Service
Classification: Benign for Cleft lip/palate. Last evaluated: 2019-05-02. Review status: criteria provided, single submitter. Criteria: ACGS Best Practice Guidelines for Variant Classification in Rare Disease 2020. Collection method: clinical testing. Allele origin: germline. Affected: yes. Observed: 1 variant allele.

NM_014795.4(ZEB2):c.807+8G>A

Gene: ZEB2 (zinc finger E-box binding homeobox 2; minus strand). Cytogenetic location: 2q22.3.
Variant type: single nucleotide variant.
Coding change: c.807+8G>A on transcript NM_014795.4 (MANE Select); 8 bases into the intron after coding-DNA position 807, G replaced by A.
Molecular consequence: intron variant.
Genome position (GRCh38, 1-based): chr2:144,403,908, C>T on the plus strand (G>A on the coding strand, the complement: ZEB2 is on the minus strand). VCF-style: chr2-144403908-C-T. GRCh37 (hg19) VCF-style: chr2-145161475-C-T.
Other names: c.735+8G>A (NM_001171653.2).
Identifiers: ClinVar variation 466291 (VCV000466291.26), dbSNP rs367991951, ClinGen allele CA1898418.
Genomic context (GRCh38, chr2:144,403,908, plus strand): 5'-CAATCAAAGCAATATCGTTTCTCTAAGGGGTTATTATAGAAAGAAATCACTTAAAACCAT[C>T]CCCCCACCTGATCTGTCCCTGGCTTGTGTGTCACCATATGCCGCTCGAGCTGGGTGCGGT-3'